The following is an entry in ClinVar:

ClinVar aggregate classification (germline): Uncertain significance (1 of 4 stars; one submission).

Submission:

Labcorp Genetics (formerly Invitae), Labcorp
Classification: Uncertain significance. Last evaluated: 2022-03-10. Review status: criteria provided, single submitter. Criteria: Invitae Variant Classification Sherloc (09022015). Collection method: clinical testing. Allele origin: germline.
Comment: This sequence change replaces histidine, which is basic and polar, with aspartic acid, which is acidic and polar, at codon 176 of the CABP4 protein (p.His176Asp). This variant is not present in population databases (gnomAD no frequency). This variant has not been reported in the literature in individuals affected with CABP4-related conditions. Advanced modeling of protein sequence and biophysical properties (such as structural, functional, and spatial information, amino acid conservation, physicochemical variation, residue mobility, and thermodynamic stability) performed at Invitae indicates that this missense variant is expected to disrupt CABP4 protein function. Algorithms developed to predict the effect of sequence changes on RNA splicing suggest that this variant may disrupt the consensus splice site. In summary, the available evidence is currently insufficient to determine the role of this variant in disease. Therefore, it has been classified as a Variant of Uncertain Significance.

NM_145200.5(CABP4):c.526C>G (p.His176Asp)

Gene: CABP4 (calcium binding protein 4; plus strand). Cytogenetic location: 11q13.2.
Variant type: single nucleotide variant.
Coding change: c.526C>G on transcript NM_145200.5 (MANE Select); coding-DNA position 526, C replaced by G.
Protein change: p.His176Asp; replaces histidine 176 with aspartic acid.
Molecular consequence: missense variant.
Genome position (GRCh38, 1-based): chr11:67,456,427, C>G. VCF-style: chr11-67456427-C-G. GRCh37 (hg19) VCF-style: chr11-67223898-C-G.
Other names: c.211C>G, p.His71Asp (NM_001300895.3, NM_001300896.3, NM_001379183.1); short protein forms H176D, H71D.
Identifiers: ClinVar variation 1466710 (VCV001466710.8), dbSNP rs2135178594, ClinGen allele CA381530787.